The following is an entry in ClinVar:

NM_000051.4(ATM):c.4091A>C (p.Asp1364Ala)

Gene: ATM (ATM serine/threonine kinase; plus strand). Cytogenetic location: 11q22.3.
Variant type: single nucleotide variant.
Coding change: c.4091A>C on transcript NM_000051.4 (MANE Select); coding-DNA position 4091, A replaced by C.
Protein change: p.Asp1364Ala; replaces aspartic acid 1364 with alanine.
Molecular consequence: missense variant.
Genome position (GRCh38, 1-based): chr11:108,287,697, A>C. VCF-style: chr11-108287697-A-C. GRCh37 (hg19) VCF-style: chr11-108158424-A-C.
Other names: c.4091A>C, p.Asp1364Ala (NM_001351834.2); short protein forms D1364A.
Identifiers: ClinVar variation 857302 (VCV000857302.10), dbSNP rs751169467, ClinGen allele CA382528475.

ClinVar aggregate classification (germline): Uncertain significance (1 of 4 stars; one submission).

Conditions:
Ataxia-telangiectasia syndrome (AT). Also called: Ataxia telangiectasia (A-T); Cerebello-oculocutaneous telangiectasia; Immunodeficiency with ataxia telangiectasia; AT, COMPLEMENTATION GROUP C; ATAXIA-TELANGIECTASIA, COMPLEMENTATION GROUP A; ATAXIA-TELANGIECTASIA, FRESNO VARIANT. Identifiers: Orphanet 100, MedGen C0004135, MONDO:0008840, OMIM 208900.

Submission:

Labcorp Genetics (formerly Invitae), Labcorp
Classification: Uncertain significance for Ataxia-telangiectasia syndrome. Last evaluated: 2019-12-16. Review status: criteria provided, single submitter. Criteria: Invitae Variant Classification Sherloc (09022015). Collection method: clinical testing. Allele origin: germline.
Comment: Algorithms developed to predict the effect of missense changes on protein structure and function (SIFT, PolyPhen-2, Align-GVGD) all suggest that this variant is likely to be tolerated, but these predictions have not been confirmed by published functional studies and their clinical significance is uncertain. In summary, the available evidence is currently insufficient to determine the role of this variant in disease. Therefore, it has been classified as a Variant of Uncertain Significance. This variant is not present in population databases (ExAC no frequency). This sequence change replaces aspartic acid with alanine at codon 1364 of the ATM protein (p.Asp1364Ala). The aspartic acid residue is moderately conserved and there is a moderate physicochemical difference between aspartic acid and alanine. This variant has not been reported in the literature in individuals with ATM-related conditions.